The following is an entry in ClinVar:

ClinVar aggregate classification (germline): Uncertain significance (1 of 4 stars; one submission).

Submission:

CeGaT Center for Human Genetics Tuebingen
Classification: Uncertain significance. Last evaluated: 2025-02-01. Review status: criteria provided, single submitter. Criteria: CeGaT Center For Human Genetics Tuebingen Variant Classification Criteria Version 2. Collection method: clinical testing. Allele origin: germline. Affected: yes. Observed: 1 variant allele.
Comment: COL7A1: PM2

NM_000094.4(COL7A1):c.2611G>A (p.Gly871Arg)

Gene: COL7A1 (collagen type VII alpha 1 chain; minus strand). Cytogenetic location: 3p21.31.
Variant type: single nucleotide variant.
Coding change: c.2611G>A on transcript NM_000094.4 (MANE Select); coding-DNA position 2611, G replaced by A.
Protein change: p.Gly871Arg; replaces glycine 871 with arginine.
Molecular consequence: missense variant.
Genome position (GRCh38, 1-based): chr3:48,588,381, C>T on the plus strand (G>A on the coding strand, the complement: COL7A1 is on the minus strand). VCF-style: chr3-48588381-C-T. GRCh37 (hg19) VCF-style: chr3-48625814-C-T.
Other names: short protein forms G871R.
Identifiers: ClinVar variation 3771829 (VCV003771829.13).